The following is an entry in ClinVar:

ClinVar aggregate classification (germline): Conflicting classifications of pathogenicity. Review status: criteria provided, conflicting classifications (1 of 4 stars). 10 submissions from 10 submitters: Uncertain significance (6); Benign (1); Likely benign (2). 1 of the submissions does not count toward it. Last evaluated 2026-02-01.

Conditions:
SBF1-related disorder. Also called: SBF1-related condition.
Charcot-Marie-Tooth disease X-linked dominant 1. Also called: GJB1 Disorders: Charcot-Marie-Tooth Neuropathy (CMT1X) and Central Nervous System Phenotypes; CHARCOT-MARIE-TOOTH NEUROPATHY, X-LINKED, 1; CHARCOT-MARIE-TOOTH PERONEAL MUSCULAR ATROPHY, X-LINKED; HEREDITARY MOTOR AND SENSORY NEUROPATHY, X-LINKED; HMSN, X-LINKED; Charcot-Marie-Tooth Neuropathy X Type 1. Identifiers: Orphanet 101075, MedGen C0393808, MONDO:0010549, OMIM 302800.
Tip-toe gait. Also called: Toe walking. Identifiers: MedGen C0427144, HP:0030051.
Charcot-Marie-Tooth disease type 4B3. Also called: CHARCOT-MARIE-TOOTH DISEASE, DEMYELINATING, TYPE 4B3; Charcot-Marie-Tooth Neuropathy Type 4B3. Identifiers: Orphanet 363981, MedGen C3695063, MONDO:0014117, OMIM 615284.

Allele frequency attached by ClinVar (database versions not stated): gnomAD exomes 0.00074; 1000 Genomes Project 0.00080; gnomAD 0.00091; ESP Exome Variant Server 0.00097; 1000 Genomes Project 30x 0.00109; TOPMed 0.00112; ExAC 0.00184.
gnomAD v4.1: 1,357 of 1,488,594 alleles (0.091%); highest among the groups gnomAD compares: Admixed American, 0.18%; 2 homozygotes.

Submissions (10):

Labcorp Genetics (formerly Invitae), Labcorp
Classification: Likely benign. Last evaluated: 2026-02-01. Review status: criteria provided, single submitter. Criteria: Invitae Variant Classification Sherloc (09022015). Collection method: clinical testing. Allele origin: germline.

GeneDx
Classification: Uncertain significance. Last evaluated: 2026-01-21. Review status: criteria provided, single submitter. Criteria: GeneDx Variant Classification Process June 2021. Collection method: clinical testing. Allele origin: germline.
Comment: In silico analysis supports that this missense variant has a deleterious effect on protein structure/function; Has not been previously published as pathogenic or benign to our knowledge; This variant is associated with the following publications: (PMID: 30545397, 25356899, 28007035, 33112832)

Mayo Clinic Laboratories, Mayo Clinic
Classification: Uncertain significance. Last evaluated: 2025-12-16. Review status: criteria provided, single submitter. Criteria: ACMG Guidelines, 2015. Collection method: clinical testing. Allele origin: germline. Observed: 10 variant alleles.
Comment: BS1, PP3

Women's Health and Genetics/Laboratory Corporation of America, LabCorp
Classification: Likely benign. Last evaluated: 2025-02-10. Review status: criteria provided, single submitter. Criteria: LabCorp Variant Classification Summary - May 2015. Collection method: clinical testing. Allele origin: germline.
Comment: Variant summary: SBF1 c.3922C>T (p.Arg1308Trp) results in a non-conservative amino acid change located in the Myotubularin phosphatase domain (IPR010569) of the encoded protein sequence. Five of five in-silico tools predict a damaging effect of the variant on protein function. The variant allele was found at a frequency of 0.00074 in 119898 control chromosomes, predominantly at a frequency of 0.0019 within the Latino subpopulation in the gnomAD database. The observed variant frequency within Latino control individuals in the gnomAD database is approximately 2-fold of the estimated maximal expected allele frequency for a pathogenic variant in SBF1 causing Charcot-Marie-Tooth disease type 4B3 phenotype (0.0011). To our knowledge, no occurrence of c.3922C>T in individuals affected with Charcot-Marie-Tooth disease type 4B3 and no experimental evidence demonstrating its impact on protein function have been reported. ClinVar contains an entry for this variant (Variation ID: 726291). Based on the evidence outlined above, the variant was classified as likely benign.

ARUP Laboratories, Molecular Genetics and Genomics, ARUP Laboratories
Classification: Uncertain significance for Charcot-Marie-Tooth disease type 4B3. Last evaluated: 2024-12-19. Review status: criteria provided, single submitter. Criteria: ARUP Molecular Germline Variant Investigation Process 2024. Collection method: clinical testing. Allele origin: germline.
Comment: The SBF1 c.3922C>T; p.Arg1308Trp variant (rs201399007), to our knowledge, is not reported in the medical literature but is reported in ClinVar (Variation ID: 726291). This variant is found in the general population with an overall allele frequency of 0.071% (108/151,248 alleles) in the Genome Aggregation Database. Computational analyses predict that this variant is deleterious (REVEL: 0.704). Based on the available information, the clinical significance of this variant is uncertain.

Blueprint Genetics
Classification: Uncertain significance. Last evaluated: 2024-11-08. Review status: criteria provided, single submitter. Criteria: ACMG Guidelines, 2015. Collection method: clinical testing. Allele origin: germline.

Practice for Gait Abnormalities, David Pomarino, Competency Network Toe Walking C/o Practice Pomarino
Classification: Benign for Tip-toe gait. Last evaluated: 2023-06-19. Review status: criteria provided, single submitter. Criteria: Pomarino et al. (Glob Med Genet. 2023). Collection method: clinical testing. Allele origin: germline. Affected: yes.

Centre of Medical Genetics, University Hospital Muenster
Classification: Uncertain significance for Charcot-Marie-Tooth disease X-linked dominant 1. Last evaluated: 2022-06-10. Review status: criteria provided, single submitter. Criteria: ACMG Guidelines, 2015. Collection method: clinical testing. Allele origin: unknown. Affected: yes. Observed: 1 variant allele, 1 heterozygote.
Comment: ACMG categories: PM1,PM2,PP3,BP5

CeGaT Center for Human Genetics Tuebingen
Classification: Uncertain significance. Last evaluated: 2021-07-01. Review status: criteria provided, single submitter. Criteria: CeGaT Center For Human Genetics Tuebingen Variant Classification Criteria Version 2. Collection method: clinical testing. Allele origin: germline. Affected: yes. Observed: 3 variant alleles.

PreventionGenetics, part of Exact Sciences
Classification: Likely benign for SBF1-related condition. Last evaluated: 2023-05-04. Review status: no assertion criteria provided. Collection method: clinical testing. Allele origin: germline. Not counted in ClinVar's aggregate classification.
Comment: This variant is classified as likely benign based on ACMG/AMP sequence variant interpretation guidelines (Richards et al. 2015 PMID: 25741868, with internal and published modifications).

NM_002972.4(SBF1):c.3922C>T (p.Arg1308Trp)

Gene: SBF1 (SET binding factor 1; minus strand). Cytogenetic location: 22q13.33.
Variant type: single nucleotide variant.
Coding change: c.3922C>T on transcript NM_002972.4 (MANE Select); coding-DNA position 3922, C replaced by T.
Protein change: p.Arg1308Trp; replaces arginine 1308 with tryptophan.
Molecular consequence: missense variant.
Genome position (GRCh38, 1-based): chr22:50,456,656, G>A on the plus strand (C>T on the coding strand, the complement: SBF1 is on the minus strand). VCF-style: chr22-50456656-G-A. GRCh37 (hg19) VCF-style: chr22-50895085-G-A.
Other names: c.3922C>T (NM_002972.2); c.3847C>T, p.Arg1283Trp (NM_001365819.1); short protein forms R1283W, R1308W.
Identifiers: ClinVar variation 726291 (VCV000726291.72), dbSNP rs201399007, ClinGen allele CA10316472.
Genomic context (GRCh38, chr22:50,456,656, plus strand): 5'-CTCTGCCAGCTAGCCGGGAGCCCACATCGGTGCCAAGGCCACTGCTGCGTCCACTGGTCC[G>A]GACACTGCCCCACTTACCTGTGAAGGAGATGCCAGGTAAGCACCCAAAGGGGGCCAGGGC-3'
Protein context (NP_002963.2, residues 1298-1318): TAPRGKWGSV[Arg1308Trp]TSGRSSGLGT